The following is an entry in ClinVar:

ClinVar aggregate classification (germline): Benign (1 of 4 stars; one submission).

Conditions:
Familial cancer of breast. Also called: hereditary breast carcinoma; Hereditary breast cancer; BREAST CANCER, FAMILIAL. Identifiers: Orphanet 227535, MedGen C0346153, MONDO:0016419, OMIM 114480. Disease mechanism: loss of function.

Submission:

Myriad Genetics, Inc.
Classification: Benign for Familial cancer of breast. Last evaluated: 2024-07-25. Review status: criteria provided, single submitter. Criteria: Myriad Autosomal Dominant, Autosomal Recessive and X-Linked Classification Criteria (2023). Collection method: clinical testing. Allele origin: unknown.
Comment: This variant is considered benign. This variant is a silent/synonymous amino acid change and it is not expected to impact splicing.

NM_000465.4(BARD1):c.1506C>G (p.Ala502=)

Gene: BARD1 (BRCA1 associated RING domain 1; minus strand). Cytogenetic location: 2q35.
Variant type: single nucleotide variant.
Coding change: c.1506C>G on transcript NM_000465.4 (MANE Select); coding-DNA position 1506, C replaced by G.
Protein change: p.Ala502=; no amino-acid change (alanine 502 retained).
Molecular consequence: synonymous variant. On other transcripts: non-coding transcript variant (3), intron variant (3).
Genome position (GRCh38, 1-based): chr2:214,767,544, G>C on the plus strand (C>G on the coding strand, the complement: BARD1 is on the minus strand). VCF-style: chr2-214767544-G-C. GRCh37 (hg19) VCF-style: chr2-215632268-G-C.
Other names: c.1449C>G, p.Ala483= (NM_001282543.2); c.159-14989C>G (NM_001282548.2); c.216-14989C>G (NM_001282545.2); c.364+24753C>G (NM_001282549.2).
Identifiers: ClinVar variation 3379087 (VCV003379087.1).